The following is an entry in ClinVar:

ClinVar aggregate classification (germline): Uncertain significance. Review status: criteria provided, multiple submitters, no conflicts (2 of 4 stars). 7 submissions from 5 submitters: Uncertain significance (7). Last evaluated 2025-01-07.

Conditions:
Inborn genetic diseases. Identifiers: MedGen C0950123, MeSH D030342.
Cone-rod dystrophy 13 (CORD13). Identifiers: Orphanet 1872, MedGen C2750720, MONDO:0011987, OMIM 608194.
Leber congenital amaurosis 6 (LCA6). Identifiers: Orphanet 65, MedGen C1854260, MONDO:0013446, OMIM 613826.

Allele frequency attached by ClinVar (database versions not stated): gnomAD 0.00007 and 0.00006; TOPMed 0.00007; ExAC 0.00007; ESP Exome Variant Server 0.00008; gnomAD exomes 0.00008.
gnomAD v4.1: 260 of 1,531,268 alleles (0.017%); highest among the groups gnomAD compares: Non-Finnish European, 0.022%; no homozygotes.

Submissions (7):

Ambry Genetics
Classification: Uncertain significance for Inborn genetic diseases. Last evaluated: 2025-01-07. Review status: criteria provided, single submitter. Criteria: Ambry Variant Classification Scheme 2023. Collection method: clinical testing. Allele origin: germline.

Blueprint Genetics
Classification: Uncertain significance. Last evaluated: 2024-11-20. Review status: criteria provided, single submitter. Criteria: ACMG Guidelines, 2015. Collection method: clinical testing. Allele origin: germline.

Labcorp Genetics (formerly Invitae), Labcorp
Classification: Uncertain significance for Leber congenital amaurosis 6; Cone-rod dystrophy 13. Last evaluated: 2024-01-02. Review status: criteria provided, single submitter. Criteria: Invitae Variant Classification Sherloc (09022015). Collection method: clinical testing. Allele origin: germline.
Comment: This sequence change replaces proline, which is neutral and non-polar, with arginine, which is basic and polar, at codon 1074 of the RPGRIP1 protein (p.Pro1074Arg). This variant is present in population databases (rs372226099, gnomAD 0.02%). This variant has not been reported in the literature in individuals affected with RPGRIP1-related conditions. ClinVar contains an entry for this variant (Variation ID: 880599). Advanced modeling of protein sequence and biophysical properties (such as structural, functional, and spatial information, amino acid conservation, physicochemical variation, residue mobility, and thermodynamic stability) performed at Invitae indicates that this missense variant is not expected to disrupt RPGRIP1 protein function with a negative predictive value of 80%. In summary, the available evidence is currently insufficient to determine the role of this variant in disease. Therefore, it has been classified as a Variant of Uncertain Significance.

Genome-Nilou Lab
Classification: Uncertain significance for Leber congenital amaurosis 6. Last evaluated: 2021-11-07. Review status: criteria provided, single submitter. Criteria: ACMG Guidelines, 2015. Collection method: clinical testing. Allele origin: germline. Affected: no.

Genome-Nilou Lab
Classification: Uncertain significance for Cone-rod dystrophy 13. Last evaluated: 2021-11-07. Review status: criteria provided, single submitter. Criteria: ACMG Guidelines, 2015. Collection method: clinical testing. Allele origin: germline. Affected: no.

Illumina Laboratory Services, Illumina
Classification: Uncertain significance for Cone-rod dystrophy 13. Last evaluated: 2018-01-12. Review status: criteria provided, single submitter. Criteria: ICSL Variant Classification Criteria 13 December 2019. Collection method: clinical testing. Allele origin: germline.

Illumina Laboratory Services, Illumina
Classification: Uncertain significance for Leber congenital amaurosis 6. Last evaluated: 2018-01-12. Review status: criteria provided, single submitter. Criteria: ICSL Variant Classification Criteria 13 December 2019. Collection method: clinical testing. Allele origin: germline.

NM_020366.4(RPGRIP1):c.3221C>G (p.Pro1074Arg)

Gene: RPGRIP1 (RPGR interacting protein 1; plus strand). Cytogenetic location: 14q11.2.
Variant type: single nucleotide variant.
Coding change: c.3221C>G on transcript NM_020366.4 (MANE Select); coding-DNA position 3221, C replaced by G.
Protein change: p.Pro1074Arg; replaces proline 1074 with arginine.
Molecular consequence: missense variant.
Genome position (GRCh38, 1-based): chr14:21,330,370, C>G. VCF-style: chr14-21330370-C-G. GRCh37 (hg19) VCF-style: chr14-21798529-C-G.
Other names: c.1199C>G, p.Pro400Arg (NM_001377523.1); c.2147C>G, p.Pro716Arg (NM_001377948.1); c.1307C>G, p.Pro436Arg (NM_001377949.1); c.1196C>G, p.Pro399Arg (NM_001377950.1); c.701C>G, p.Pro234Arg (NM_001377951.1); short protein forms P1074R, P399R, P400R, P234R, P436R, P716R.
Identifiers: ClinVar variation 880599 (VCV000880599.13), dbSNP rs372226099, ClinGen allele CA7089445.